The following is an entry in ClinVar:

ClinVar aggregate classification (germline): Uncertain significance (1 of 4 stars; one submission).

gnomAD v4.1: 2 of 1,614,134 alleles (0.00012%); highest among the groups gnomAD compares: South Asian, 0.0011%; no homozygotes.

Submission:

Labcorp Genetics (formerly Invitae), Labcorp
Classification: Uncertain significance. Last evaluated: 2024-05-31. Review status: criteria provided, single submitter. Criteria: Invitae Variant Classification Sherloc (09022015). Collection method: clinical testing. Allele origin: germline.
Comment: This sequence change replaces arginine, which is basic and polar, with tryptophan, which is neutral and slightly polar, at codon 1641 of the PRPF8 protein (p.Arg1641Trp). This variant is present in population databases (no rsID available, gnomAD 0.0009%). This variant has not been reported in the literature in individuals affected with PRPF8-related conditions. Advanced modeling of protein sequence and biophysical properties (such as structural, functional, and spatial information, amino acid conservation, physicochemical variation, residue mobility, and thermodynamic stability) performed at Invitae indicates that this missense variant is not expected to disrupt PRPF8 protein function with a negative predictive value of 80%. In summary, the available evidence is currently insufficient to determine the role of this variant in disease. Therefore, it has been classified as a Variant of Uncertain Significance.

NM_006445.4(PRPF8):c.4921C>T (p.Arg1641Trp)

Gene: PRPF8 (pre-mRNA processing factor 8; minus strand). Cytogenetic location: 17p13.3.
Variant type: single nucleotide variant.
Coding change: c.4921C>T on transcript NM_006445.4 (MANE Select); coding-DNA position 4921, C replaced by T.
Protein change: p.Arg1641Trp; replaces arginine 1641 with tryptophan.
Molecular consequence: missense variant.
Genome position (GRCh38, 1-based): chr17:1,659,866, G>A on the plus strand (C>T on the coding strand, the complement: PRPF8 is on the minus strand). VCF-style: chr17-1659866-G-A. GRCh37 (hg19) VCF-style: chr17-1563160-G-A.
Other names: short protein forms R1641W.
Identifiers: ClinVar variation 3682683 (VCV003682683.2).